The following is an entry in ClinVar:

ClinVar aggregate classification (germline): Pathogenic (1 of 4 stars; one submission).

Submission:

Labcorp Genetics (formerly Invitae), Labcorp
Classification: Pathogenic. Last evaluated: 2022-05-08. Review status: criteria provided, single submitter. Criteria: Invitae Variant Classification Sherloc (09022015). Collection method: clinical testing. Allele origin: germline.
Comment: For these reasons, this variant has been classified as Pathogenic. This variant has not been reported in the literature in individuals affected with IFT43-related conditions. This variant is not present in population databases (gnomAD no frequency). This sequence change creates a premature translational stop signal (p.Leu46Aspfs*8) in the IFT43 gene. It is expected to result in an absent or disrupted protein product. Loss-of-function variants in IFT43 are known to be pathogenic (PMID: 21378380, 28400947).

Literature cited by the submitters: PubMed 21378380; PubMed 28400947.

NM_001102564.3(IFT43):c.136_137del (p.Leu46fs)

Gene: IFT43 (intraflagellar transport 43; plus strand). Cytogenetic location: 14q24.3.
Variant type: Microsatellite.
Coding change: c.136_137del on transcript NM_001102564.3 (MANE Select); coding-DNA positions 136 to 137, 2 bases deleted (CT; older notation c.136_137delCT).
Protein change: p.Leu46fs; shifts the reading frame from leucine 46.
Molecular consequence: frameshift variant. On other transcripts: non-coding transcript variant (2).
Genome position (GRCh38, 1-based): chr14:75,988,966-75,988,967, CT deleted; deleting any 2 consecutive bases within chr14:75,988,964-75,988,967 gives the same sequence; the c. name uses the placement nearest the transcript's 3' end. VCF-style (leftmost placement, unchanged base first): chr14-75988963-ACT-A. GRCh37 (hg19) VCF-style: chr14-76455306-ACT-A.
Other names: c.136_137del, p.Leu46fs (NM_001255995.3, NM_052873.3); short protein forms L46fs.
Identifiers: ClinVar variation 2135504 (VCV002135504.4), dbSNP rs2035585345, ClinGen allele CA964851195.